The following is an entry in ClinVar:

NM_015338.6(ASXL1):c.26A>G (p.Lys9Arg)

Gene: ASXL1 (ASXL transcriptional regulator 1; plus strand). Cytogenetic location: 20q11.21.
Variant type: single nucleotide variant.
Coding change: c.26A>G on transcript NM_015338.6 (MANE Select); coding-DNA position 26, A replaced by G.
Protein change: p.Lys9Arg; replaces lysine 9 with arginine.
Molecular consequence: missense variant.
Genome position (GRCh38, 1-based): chr20:32,358,801, A>G. VCF-style: chr20-32358801-A-G. GRCh37 (hg19) VCF-style: chr20-30946604-A-G.
Other names: c.26A>G, p.Lys9Arg (NM_001164603.1); short protein forms K9R.
Identifiers: ClinVar variation 3792903 (VCV003792903.1).

ClinVar aggregate classification (germline): Uncertain significance (1 of 4 stars; one submission).

Conditions:
Inborn genetic diseases. Identifiers: MedGen C0950123, MeSH D030342.

gnomAD v4.1: 4 of 1,509,258 alleles (0.00027%); highest among the groups gnomAD compares: African/African-American, 0.0015%; no homozygotes.

Submission:

Ambry Genetics
Classification: Uncertain significance for Inborn genetic diseases. Last evaluated: 2025-01-29. Review status: criteria provided, single submitter. Criteria: Ambry Variant Classification Scheme 2023. Collection method: clinical testing. Allele origin: germline.
Comment: The p.K9R variant (also known as c.26A>G), located in coding exon 1 of the ASXL1 gene, results from an A to G substitution at nucleotide position 26. The lysine at codon 9 is replaced by arginine, an amino acid with highly similar properties. This amino acid position is conserved. In addition, this alteration is predicted to be tolerated by in silico analysis. Based on the available evidence, the clinical significance of this variant remains unclear.